The following is an entry in ClinVar:

NM_000552.5(VWF):c.4105T>A (p.Phe1369Ile)

Gene: VWF (von Willebrand factor; minus strand). Cytogenetic location: 12p13.31.
Variant type: single nucleotide variant.
Coding change: c.4105T>A on transcript NM_000552.5 (MANE Select); coding-DNA position 4105, T replaced by A.
Protein change: p.Phe1369Ile; replaces phenylalanine 1369 with isoleucine.
Molecular consequence: missense variant.
Genome position (GRCh38, 1-based): chr12:6,019,313, A>T on the plus strand (T>A on the coding strand, the complement: VWF is on the minus strand). VCF-style: chr12-6019313-A-T. GRCh37 (hg19) VCF-style: chr12-6128479-A-T.
Other names: p.F1369I; c.4105T>A (NM_000552.4); short protein forms F1369I.
Identifiers: ClinVar variation 100326 (VCV000100326.18), dbSNP rs61750069, ClinGen allele CA228533.

ClinVar aggregate classification (germline): Conflicting classifications of pathogenicity. Review status: criteria provided, conflicting classifications (1 of 4 stars). 9 submissions from 9 submitters: Pathogenic (1); Likely pathogenic (4); Uncertain significance (1). 3 of the submissions do not count toward it. Last evaluated 2025-02-07.

Conditions:
Hereditary von Willebrand disease. Identifiers: Orphanet 903, MedGen C5703318, MONDO:0019565. Inheritance: Autosomal recessive or Autosomal dominant.
von Willebrand disease type 1 (VWD1). Also called: VWD, TYPE 1; VON WILLEBRAND DISEASE, TYPE I. Identifiers: Orphanet 166078, Orphanet 903, MedGen C1264039, MONDO:0008668, OMIM 193400. Inheritance: autosomal recessive or autosomal dominant.

Allele frequency attached by ClinVar (database versions not stated): gnomAD exomes 0.00001.

Submissions (9):

GeneDx
Classification: Uncertain significance. Last evaluated: 2025-02-07. Review status: criteria provided, single submitter. Criteria: GeneDx Variant Classification Process June 2021. Collection method: clinical testing. Allele origin: germline. Affected: yes.
Comment: Published functional studies demonstrate a damaging effect on platelet binding (PMID: 25185554); In silico analysis indicates that this missense variant does not alter protein structure/function; This variant is associated with the following publications: (PMID: 25185554, 31064749, 22995991, 34758185, 26986123, 9473222, 33556167, 22871923, 34355501)

Quest Diagnostics Nichols Institute San Juan Capistrano
Classification: Likely pathogenic. Last evaluated: 2024-06-10. Review status: criteria provided, single submitter. Criteria: Quest Diagnostics criteria. Collection method: clinical testing. Allele origin: unknown.
Comment: The VWF c.4105T>A (p.Phe1369Ile) variant has been reported in the published literature in individuals with type 2 von Willebrand Disease (VWD) (PMIDs: PMIDs: 34758185 (2022), 34355501 (2021), 22871923 (2012), 9473222 (1998)). Experimental studies report the variant is damaging to protein function by impacting ristocetin-mediated platelet binding (PMIDs: 25185554 (2014), 9473222 (1998)). This variant is one of multiple variants that occur as part of a gene conversion event between the normal VWF gene and its pseudogene, resulting in individuals with severe type 3 VWD (PMIDs: 31532876 (2019), 19277422 (2009), 16115133 (2005)). Analysis of this variant using bioinformatics tools for the prediction of the effect of amino acid changes on protein structure and function yielded predictions that this variant is damaging. Based on the available information, this variant is classified as likely pathogenic.

Laboratory of Hematology, Radboud University Medical Center
Classification: Pathogenic for von Willebrand disease type 1. Last evaluated: 2021-08-23. Review status: criteria provided, single submitter. Criteria: ACMG Guidelines, 2015. Collection method: research. Allele origin: germline. Affected: yes. Observed: 2 variant alleles. Study: WIN study.

ARUP Laboratories, Molecular Genetics and Genomics, ARUP Laboratories
Classification: Likely pathogenic. Last evaluated: 2021-04-13. Review status: criteria provided, single submitter. Criteria: ARUP Molecular Germline Variant Investigation Process 2021. Collection method: clinical testing. Allele origin: germline.
Comment: The VWF c.4105T>A; p.Phe1369Ile variant (rs61750069) is reported in the literature in multiple individuals affected with VWF type 2 (Downes 2019, Hillery 1998), but has also been described in the homozygous state in an individual who also carried a nonsense variant in the homozygous state (Corrales 2009). This variant was also found to segregated with disease in an autosomal dominant manner in three generations of a family with no other molecular explanation of disease (Hillery 1998). This variant is also reported in ClinVar (Variation ID: 100326). This variant is found in the South Asian population with an allele frequency 0.001% (3/251,030 alleles) in the Genome Aggregation Database. The phenylalanine at codon 1369 is highly conserved and computational analyses predict that this variant is deleterious (REVEL: 0.893). Functional analyses of the variant protein show it is deficient in ristocetin-mediated binding to platelets (Hillery 1998, Tischer 2014). Based on available information, this variant is considered to be likely pathogenic. References: Corrales I et al. Rapid molecular diagnosis of von Willebrand disease by direct sequencing. Detection of 12 novel putative mutations in VWF gene. Thromb Haemost. 2009 Mar;101(3):570-6. Downes K et al. Diagnostic high-throughput sequencing of 2396 patients with bleeding, thrombotic, and platelet disorders. Blood. 2019 Dec 5;134(23):2082-2091. Hillery CA et al. Type 2M von Willebrand disease: F606I and I662F mutations in the glycoprotein Ib binding domain selectively impair ristocetin- but not botrocetin-mediated binding of von Willebrand factor to platelets. Blood. 1998 Mar 1;91(5):1572-81. Tischer A et al. Misfolding of vWF to pathologically disordered conformations impacts the severity of von Willebrand disease. Biophys J. 2014 Sep 2;107(5):1185-1195.

NIHR Bioresource Rare Diseases, University of Cambridge
Classification: Likely pathogenic for von Willebrand disorder. Last evaluated: 2019-02-01. Review status: criteria provided, single submitter. Criteria: ACMG Guidelines, 2015. Collection method: research. Allele origin: unknown. Affected: yes. Observed: 1 heterozygote. Study: ThromboGenomics.

ISTH-SSC Genomics in Thrombosis and Hemostasis, KU Leuven, Center for Molecular and Vascular Biology
Classification: Likely pathogenic for von Willebrand disease type 1. Review status: criteria provided, single submitter. Criteria: ACMG Guidelines, 2015. Collection method: clinical testing. Allele origin: unknown. Affected: yes. Observed: 2 heterozygotes.
Comment: GoldVariant submitter: Dr Karyn Mégy NIHR Bioresource - Cambridge University, UK

Academic Unit of Haematology, University of Sheffield
No classification provided. Review status: no classification provided. Collection method: not provided. Allele origin: not provided. Not counted in ClinVar's aggregate classification.

Genome Diagnostics Laboratory, University Medical Center Utrecht
Classification: Pathogenic. Review status: no assertion criteria provided. Collection method: clinical testing. Allele origin: germline. Affected: yes. Study: VKGL Data-share Consensus. Not counted in ClinVar's aggregate classification.

Joint Genome Diagnostic Labs from Nijmegen and Maastricht, Radboudumc and MUMC+
Classification: Pathogenic. Review status: no assertion criteria provided. Collection method: clinical testing. Allele origin: germline. Affected: yes. Study: VKGL Data-share Consensus. Not counted in ClinVar's aggregate classification.

Literature cited by the submitters: PubMed 22871923 (cited by Quest Diagnostics Nichols Institute San Juan Capistrano); PubMed 31532876 (cited by Quest Diagnostics Nichols Institute San Juan Capistrano); PubMed 9473222 (cited by Quest Diagnostics Nichols Institute San Juan Capistrano); PubMed 19277422 (cited by Quest Diagnostics Nichols Institute San Juan Capistrano); PubMed 31064749 (cited by Quest Diagnostics Nichols Institute San Juan Capistrano and NIHR Bioresource Rare Diseases, University of Cambridge); PubMed 34355501 (cited by Quest Diagnostics Nichols Institute San Juan Capistrano and ISTH-SSC Genomics in Thrombosis and Hemostasis, KU Leuven, Center for Molecular and Vascular Biology); PubMed 25185554 (cited by Quest Diagnostics Nichols Institute San Juan Capistrano); PubMed 16115133 (cited by Quest Diagnostics Nichols Institute San Juan Capistrano); PubMed 34758185 (cited by Quest Diagnostics Nichols Institute San Juan Capistrano).